The following is an entry in ClinVar:

NM_020549.5(CHAT):c.438C>T (p.Tyr146=)

Gene: CHAT (choline O-acetyltransferase; plus strand). Cytogenetic location: 10q11.23.
Variant type: single nucleotide variant.
Coding change: c.438C>T on transcript NM_020549.5 (MANE Select); coding-DNA position 438, C replaced by T.
Protein change: p.Tyr146=; no amino-acid change (tyrosine 146 retained).
Molecular consequence: synonymous variant.
Genome position (GRCh38, 1-based): chr10:49,619,775, C>T. VCF-style: chr10-49619775-C-T. GRCh37 (hg19) VCF-style: chr10-50827821-C-T.
Other names: c.84C>T, p.Tyr28= (NM_001142929.2, NM_001142934.2, NM_020984.4 and 2 more transcripts); c.192C>T, p.Tyr64= (NM_001142933.2).
Identifiers: ClinVar variation 261336 (VCV000261336.36), dbSNP rs61731734, ClinGen allele CA5497146.

ClinVar aggregate classification (germline): Benign/Likely benign. Review status: criteria provided, multiple submitters, no conflicts (2 of 4 stars). 7 submissions from 7 submitters: Benign (2); Likely benign (3). 2 of the submissions do not count toward it. Last evaluated 2026-01-28.

Conditions:
CHAT-related disorder. Also called: CHAT-related condition.
Familial infantile myasthenia (CMS6). Also called: MYASTHENIC SYNDROME, PRESYNAPTIC, CONGENITAL, ASSOCIATED WITH EPISODIC APNEA; Congenital myasthenic syndrome type 6; MYASTHENIC SYNDROME, CONGENITAL, 6, PRESYNAPTIC. Identifiers: Orphanet 590, MedGen C0393929, MONDO:0009689, OMIM 254210.

Allele frequency attached by ClinVar (database versions not stated): 1000 Genomes Project 30x 0.00016; 1000 Genomes Project 0.00020; gnomAD 0.00206 and 0.00210; TOPMed 0.00208; ExAC 0.00242; gnomAD exomes 0.00243; ESP Exome Variant Server 0.00323.
gnomAD v4.1: 5,303 of 1,614,028 alleles (0.33%); highest among the groups gnomAD compares: Non-Finnish European, 0.37%; 24 homozygotes.

Submissions (7):

Labcorp Genetics (formerly Invitae), Labcorp
Classification: Benign for Familial infantile myasthenia. Last evaluated: 2026-01-28. Review status: criteria provided, single submitter. Criteria: Invitae Variant Classification Sherloc (09022015). Collection method: clinical testing. Allele origin: germline.

CeGaT Center for Human Genetics Tuebingen
Classification: Likely benign. Last evaluated: 2025-04-01. Review status: criteria provided, single submitter. Criteria: CeGaT Center For Human Genetics Tuebingen Variant Classification Criteria Version 2. Collection method: clinical testing. Allele origin: germline. Affected: yes. Observed: 2 variant alleles.
Comment: CHAT: BP4, BP7, BS2

Blueprint Genetics
Classification: Likely benign. Last evaluated: 2024-11-11. Review status: criteria provided, single submitter. Criteria: ACMG Guidelines, 2015. Collection method: clinical testing. Allele origin: germline.

Athena Diagnostics
Classification: Benign. Last evaluated: 2019-12-18. Review status: criteria provided, single submitter. Criteria: Athena Diagnostics Criteria. Collection method: clinical testing. Allele origin: unknown.

Eurofins Ntd Llc (ga)
Classification: Likely benign. Last evaluated: 2018-05-02. Review status: criteria provided, single submitter. Criteria: EGL ClinVar v180209 classification definitions. Collection method: clinical testing. Allele origin: germline. Observed: 1 variant allele, 1 heterozygote.

PreventionGenetics, part of Exact Sciences
Classification: Likely benign for CHAT-related condition. Last evaluated: 2019-07-10. Review status: no assertion criteria provided. Collection method: clinical testing. Allele origin: germline. Not counted in ClinVar's aggregate classification.
Comment: This variant is classified as likely benign based on ACMG/AMP sequence variant interpretation guidelines (Richards et al. 2015 PMID: 25741868, with internal and published modifications).

Mayo Clinic Laboratories, Mayo Clinic
Classification: Likely benign. Last evaluated: 2016-02-22. Review status: no assertion criteria provided. Collection method: clinical testing. Allele origin: unknown. Not counted in ClinVar's aggregate classification.